The following is an entry in ClinVar:

ClinVar aggregate classification (germline): Uncertain significance (1 of 4 stars; one submission).

Submission:

Labcorp Genetics (formerly Invitae), Labcorp
Classification: Uncertain significance. Last evaluated: 2022-10-16. Review status: criteria provided, single submitter. Criteria: Invitae Variant Classification Sherloc (09022015). Collection method: clinical testing. Allele origin: germline.
Comment: In summary, the available evidence is currently insufficient to determine the role of this variant in disease. Therefore, it has been classified as a Variant of Uncertain Significance. Algorithms developed to predict the effect of sequence changes on RNA splicing suggest that this variant may disrupt the consensus splice site. This variant has not been reported in the literature in individuals affected with LZTR1-related conditions. This variant is not present in population databases (gnomAD no frequency). This sequence change falls in intron 18 of the LZTR1 gene. It does not directly change the encoded amino acid sequence of the LZTR1 protein.

NM_006767.4(LZTR1):c.2220-8_2222dup

Gene: LZTR1 (leucine zipper like post translational regulator 1; plus strand). Cytogenetic location: 22q11.21.
Variant type: Duplication.
Coding change: c.2220-8_2222dup on transcript NM_006767.4 (MANE Select); 8 bases into the intron before coding-DNA position 2220 through coding-DNA position 2222, 11 bases duplicated (GGCCCCAGCTA).
Molecular consequence: splice acceptor variant.
Genome position (GRCh38, 1-based): chr22:20,996,688-20,996,698, GGCCCCAGCTA duplicated; duplicating any 11 consecutive bases within chr22:20,996,687-20,996,698 gives the same sequence; the c. name uses the placement nearest the transcript's 3' end. VCF-style (leftmost placement, unchanged base first): chr22-20996686-C-CAGGCCCCAGCT. GRCh37 (hg19) VCF-style: chr22-21350975-C-CAGGCCCCAGCT.
Identifiers: ClinVar variation 2034468 (VCV002034468.4), dbSNP rs2518625583, ClinGen allele CA2580099293.
Genomic context (GRCh38, chr22:20,996,686, plus strand): 5'-TTCCCTGTCCTTCCCTGGGAGGGTGCGGGCGGACCAGCTTCCTTTAGTCAGCTCCTTAAC[C>CAGGCCCCAGCT]AGGCCCCAGCTACTTGTTTGCGGCCCCCTACTACTACGGCTTCTACAACAACCGGCTGCA-3'